The following is an entry in ClinVar:

NM_000444.6(PHEX):c.2078G>C (p.Cys693Ser)

Genes: PHEX (phosphate regulating endopeptidase X-linked; plus strand), PTCHD1-AS (PTCHD1 and PHEX antisense RNA; minus strand). Cytogenetic location: Xp22.11.
Variant type: single nucleotide variant.
Coding change: c.2078G>C on transcript NM_000444.6 (MANE Select); coding-DNA position 2078, G replaced by C.
Protein change: p.Cys693Ser; replaces cysteine 693 with serine.
Molecular consequence: missense variant. On other transcripts: intron variant (1).
Genome position (GRCh38, 1-based): chrX:22,245,340, G>C. VCF-style: chrX-22245340-G-C. GRCh37 (hg19) VCF-style: chrX-22263457-G-C.
Other names: c.2071-2511G>C (NM_001282754.2); short protein forms C693S.
Identifiers: ClinVar variation 803773 (VCV000803773.6), dbSNP rs1556200989, ClinGen allele CA412575178.
Genomic context (GRCh38, chrX:22,245,340, plus strand): 5'-AAAATACATAATTGGAATGAAAGCTCATTTGTTGGGATGCTTTTCTCTTCTAGGTGAGGT[G>C]CAATTCCTACAGACCAGAAGCTGCCCGAGAACAAGTCCAAATTGGTGCTCACAGTCCCCC-3'
Protein context (NP_000435.3, residues 683-703): LFFLSYAHVR[Cys693Ser]NSYRPEAARE

ClinVar aggregate classification (germline): Pathogenic/Likely pathogenic. Review status: criteria provided, multiple submitters, no conflicts (2 of 4 stars). 2 submissions from 2 submitters: Pathogenic (1); Likely pathogenic (1). Last evaluated 2021-10-27.

Conditions:
Familial X-linked hypophosphatemic vitamin D refractory rickets (XLHRD). Also called: HYPOPHOSPHATEMIC VITAMIN D-RESISTANT RICKETS; Hypophosphatemia, vitamin D-resistant rickets; Vitamin D-resistant rickets, X-linked; X-Linked Hypophosphatemia; Hypophosphatemic Rickets, X-Linked Dominant. Identifiers: Orphanet 89936, MedGen C0733682, MONDO:0010619, OMIM 307800.

Submissions (2):

Labcorp Genetics (formerly Invitae), Labcorp
Classification: Pathogenic. Last evaluated: 2021-10-27. Review status: criteria provided, single submitter. Criteria: Invitae Variant Classification Sherloc (09022015). Collection method: clinical testing. Allele origin: germline.
Comment: This sequence change replaces cysteine, which is neutral and slightly polar, with serine, which is neutral and polar, at codon 693 of the PHEX protein (p.Cys693Ser). This variant is not present in population databases (gnomAD no frequency). A different variant (c.2077T>A) giving rise to the same protein effect has been determined to be pathogenic (PMID: 30682568). This suggests that this variant is also likely to be causative of disease. ClinVar contains an entry for this variant (Variation ID: 803773). Advanced modeling of protein sequence and biophysical properties (such as structural, functional, and spatial information, amino acid conservation, physicochemical variation, residue mobility, and thermodynamic stability) performed at Invitae indicates that this missense variant is expected to disrupt PHEX protein function. For these reasons, this variant has been classified as Pathogenic.

Mendelics
Classification: Likely pathogenic for Familial X-linked hypophosphatemic vitamin D refractory rickets. Last evaluated: 2019-05-28. Review status: criteria provided, single submitter. Criteria: Mendelics Assertion Criteria 2017. Collection method: clinical testing. Allele origin: unknown.

Literature cited by the submitters: PubMed 30682568 (cited by Labcorp Genetics (formerly Invitae), Labcorp).